The following is an entry in ClinVar:

NM_031448.6(C19orf12):c.*2117G>A

Gene: C19orf12 (chromosome 19 open reading frame 12; minus strand). Cytogenetic location: 19q12.
Variant type: single nucleotide variant.
Coding change: c.*2117G>A on transcript NM_031448.6 (MANE Select); 2117 bases downstream of the stop codon, G replaced by A.
Molecular consequence: 3 prime UTR variant.
Genome position (GRCh38, 1-based): chr19:29,700,595, C>T on the plus strand (G>A on the coding strand, the complement: C19orf12 is on the minus strand). VCF-style: chr19-29700595-C-T. GRCh37 (hg19) VCF-style: chr19-30191502-C-T.
Other names: c.*2117G>A (NM_001031726.4, NM_001256047.2, NM_001282929.1 and 2 more transcripts); c.*2164G>A (NM_001256046.3).
Identifiers: ClinVar variation 891059 (VCV000891059.4), dbSNP rs184117483, ClinGen allele CA9351704.
Genomic context (GRCh38, chr19:29,700,595, plus strand): 5'-GAATGATCAGTTCAACAAGAAAAGCCACACTCAGTTTTCACAGACAGACAACCCCTCCTT[C>T]CCACCCCTGCCCTGTCCCCCATCAACTTAAGTGGCATATAAATGATTAAAGTGGCTTCAT-3'

ClinVar aggregate classification (germline): Benign (1 of 4 stars; one submission).

Conditions:
Neurodegeneration with brain iron accumulation 4 (NBIA4). Also called: MITOCHONDRIAL PROTEIN-ASSOCIATED NEURODEGENERATION. Identifiers: Orphanet 289560, MedGen C3280371, MONDO:0013674, OMIM 614298. Disease mechanism: loss of function.

Allele frequency attached by ClinVar (database versions not stated): ExAC 0.00019; gnomAD exomes 0.00036 and 0.00067; 1000 Genomes Project 0.00200; 1000 Genomes Project 30x 0.00203; gnomAD 0.00271 and 0.00302; TOPMed 0.00348.
gnomAD v4.1: 526 of 454,186 alleles (0.12%); highest among the groups gnomAD compares: African/African-American, 0.9%; 5 homozygotes.

Submission:

Illumina Laboratory Services, Illumina
Classification: Benign for Neurodegeneration with brain iron accumulation 4. Last evaluated: 2018-01-13. Review status: criteria provided, single submitter. Criteria: ICSL Variant Classification Criteria 13 December 2019. Collection method: clinical testing. Allele origin: germline.
Comment: This variant was observed in the ICSL laboratory as part of a predisposition screen in an ostensibly healthy population. It had not been previously curated by ICSL or reported in the Human Gene Mutation Database (HGMD: prior to June 1st, 2018), and was therefore a candidate for classification through an automated scoring system. Utilizing variant allele frequency, disease prevalence and penetrance estimates, and inheritance mode, an automated score was calculated to assess if this variant is too frequent to cause the disease. Based on the score and internal cut-off values, a variant classified as benign is not then subjected to further curation. The score for this variant resulted in a classification of benign for this disease.